The following is an entry in ClinVar:

ClinVar aggregate classification (germline): Uncertain significance (1 of 4 stars; one submission).

Allele frequency attached by ClinVar (database versions not stated): TOPMed 0.00001.

Submission:

Labcorp Genetics (formerly Invitae), Labcorp
Classification: Uncertain significance. Last evaluated: 2022-12-07. Review status: criteria provided, single submitter. Criteria: Invitae Variant Classification Sherloc (09022015). Collection method: clinical testing. Allele origin: germline.
Comment: In summary, the available evidence is currently insufficient to determine the role of this variant in disease. Therefore, it has been classified as a Variant of Uncertain Significance. Variants that disrupt the consensus splice site are a relatively common cause of aberrant splicing (PMID: 17576681, 9536098). Algorithms developed to predict the effect of sequence changes on RNA splicing suggest that this variant is not likely to affect RNA splicing. This variant has not been reported in the literature in individuals affected with COL2A1-related conditions. This variant is not present in population databases (gnomAD no frequency). This sequence change falls in intron 43 of the COL2A1 gene. It does not directly change the encoded amino acid sequence of the COL2A1 protein. It affects a nucleotide within the consensus splice site.

Literature cited by the submitters: PubMed 17576681; PubMed 9536098.

NM_001844.5(COL2A1):c.3004-3C>T

Gene: COL2A1 (collagen type II alpha 1 chain; minus strand). Cytogenetic location: 12q13.11.
Variant type: single nucleotide variant.
Coding change: c.3004-3C>T on transcript NM_001844.5 (MANE Select); 3 bases into the intron before coding-DNA position 3004, C replaced by T.
Molecular consequence: intron variant.
Genome position (GRCh38, 1-based): chr12:47,978,120, G>A on the plus strand (C>T on the coding strand, the complement: COL2A1 is on the minus strand). VCF-style: chr12-47978120-G-A. GRCh37 (hg19) VCF-style: chr12-48371903-G-A.
Other names: c.2797-3C>T (NM_033150.3).
Identifiers: ClinVar variation 2819285 (VCV002819285.3), dbSNP rs1450031380, ClinGen allele CA689437316.